The following is an entry in ClinVar:

ClinVar aggregate classification (germline): Likely benign (0 of 4 stars; one submission).

Conditions:
ARMC5-related disorder. Also called: ARMC5-related condition.

Allele frequency attached by ClinVar (database versions not stated): gnomAD 0.00001; gnomAD exomes 0.00001; TOPMed 0.00001; ExAC 0.00003.
gnomAD v4.1: 28 of 1,613,386 alleles (0.0017%); highest among the groups gnomAD compares: Middle Eastern, 0.016%; no homozygotes.

Submission:

PreventionGenetics, part of Exact Sciences
Classification: Likely benign for ARMC5-related condition. Last evaluated: 2019-04-24. Review status: no assertion criteria provided. Collection method: clinical testing. Allele origin: germline.
Comment: This variant is classified as likely benign based on ACMG/AMP sequence variant interpretation guidelines (Richards et al. 2015 PMID: 25741868, with internal and published modifications).

NM_001105247.2(ARMC5):c.1864+155C>T

Gene: ARMC5 (armadillo repeat containing 5; plus strand). Cytogenetic location: 16p11.2.
Variant type: single nucleotide variant.
Coding change: c.1864+155C>T on transcript NM_001105247.2 (MANE Select); 155 bases into the intron after coding-DNA position 1864, C replaced by T.
Molecular consequence: intron variant. On other transcripts: synonymous variant (1).
Genome position (GRCh38, 1-based): chr16:31,465,042, C>T. VCF-style: chr16-31465042-C-T. GRCh37 (hg19) VCF-style: chr16-31476363-C-T.
Other names: c.2019C>T, p.Gly673= (NM_024742.2); c.2149+155C>T (NM_001288767.2); c.1960+155C>T (NM_001301820.1).
Identifiers: ClinVar variation 3047651 (VCV003047651.2), dbSNP rs751121602, ClinGen allele CA8029834.